The following is an entry in ClinVar:

ClinVar aggregate classification (germline): Uncertain significance. Review status: criteria provided, multiple submitters, no conflicts (2 of 4 stars). 2 submissions from 2 submitters: Uncertain significance (2). Last evaluated 2024-08-22.

Conditions:
Inborn genetic diseases. Identifiers: MedGen C0950123, MeSH D030342.
Dyskeratosis congenita, autosomal dominant 6 (DKCA6). Identifiers: Orphanet 3322, MedGen C4225284, MONDO:0014690, OMIM 616553.

Submissions (2):

Labcorp Genetics (formerly Invitae), Labcorp
Classification: Uncertain significance for Dyskeratosis congenita, autosomal dominant 6. Last evaluated: 2024-08-22. Review status: criteria provided, single submitter. Criteria: Invitae Variant Classification Sherloc (09022015). Collection method: clinical testing. Allele origin: germline.
Comment: This sequence change replaces aspartic acid, which is acidic and polar, with tyrosine, which is neutral and polar, at codon 236 of the ACD protein (p.Asp236Tyr). This variant is not present in population databases (gnomAD no frequency). This variant has not been reported in the literature in individuals affected with ACD-related conditions. ClinVar contains an entry for this variant (Variation ID: 1756998). Invitae Evidence Modeling of protein sequence and biophysical properties (such as structural, functional, and spatial information, amino acid conservation, physicochemical variation, residue mobility, and thermodynamic stability) indicates that this missense variant is expected to disrupt ACD protein function with a positive predictive value of 80%. Algorithms developed to predict the effect of sequence changes on RNA splicing suggest that this variant may disrupt the consensus splice site. In summary, the available evidence is currently insufficient to determine the role of this variant in disease. Therefore, it has been classified as a Variant of Uncertain Significance.

Ambry Genetics
Classification: Uncertain significance for Inborn genetic diseases. Last evaluated: 2022-04-24. Review status: criteria provided, single submitter. Criteria: Ambry Variant Classification Scheme 2023. Collection method: clinical testing. Allele origin: germline.
Comment: The p.D236Y variant (also known as c.706G>T), located in coding exon 5 of the ACD gene, results from a G to T substitution at nucleotide position 706. The aspartic acid at codon 236 is replaced by tyrosine, an amino acid with highly dissimilar properties. This amino acid position is conserved. In addition, this alteration is predicted to be tolerated by in silico analysis. Since supporting evidence is limited at this time, the clinical significance of this alteration remains unclear.

NM_001082486.2(ACD):c.448G>T (p.Asp150Tyr)

Gene: ACD (ACD shelterin complex subunit and telomerase recruitment factor; minus strand). Cytogenetic location: 16q22.1.
Variant type: single nucleotide variant.
Coding change: c.448G>T on transcript NM_001082486.2 (MANE Select); coding-DNA position 448, G replaced by T.
Protein change: p.Asp150Tyr; replaces aspartic acid 150 with tyrosine.
Molecular consequence: missense variant.
Genome position (GRCh38, 1-based): chr16:67,659,385, C>A on the plus strand (G>T on the coding strand, the complement: ACD is on the minus strand). VCF-style: chr16-67659385-C-A. GRCh37 (hg19) VCF-style: chr16-67693288-C-A.
Other names: c.448G>T, p.Asp150Tyr (NM_001410884.1); c.439G>T, p.Asp147Tyr (NM_022914.3); short protein forms D147Y, D150Y.
Identifiers: ClinVar variation 1756998 (VCV001756998.4), dbSNP rs915716446, ClinGen allele CA396354781.